The following is an entry in ClinVar:

ClinVar aggregate classification (germline): Likely pathogenic (1 of 4 stars; one submission).

Allele frequency attached by ClinVar (database versions not stated): gnomAD exomes 0.00001.
gnomAD v4.1: 9 of 1,533,814 alleles (0.00059%); highest among the groups gnomAD compares: Non-Finnish European, 0.00078%; no homozygotes.

Submission:

Labcorp Genetics (formerly Invitae), Labcorp
Classification: Likely pathogenic. Last evaluated: 2019-02-08. Review status: criteria provided, single submitter. Criteria: Invitae Variant Classification Sherloc (09022015). Collection method: clinical testing. Allele origin: germline.
Comment: In summary, the currently available evidence indicates that the variant is pathogenic, but additional data are needed to prove that conclusively. Therefore, this variant has been classified as Likely Pathogenic. Donor and acceptor splice site variants typically lead to a loss of protein function (PMID: 16199547), and loss-of-function variants in C2CD3 are known to be pathogenic (PMID: 24997988). This variant has not been reported in the literature in individuals with C2CD3-related disease. This variant is not present in population databases (ExAC no frequency). This sequence change affects an acceptor splice site in intron 28 of the C2CD3 gene. It is expected to disrupt RNA splicing and likely results in an absent or disrupted protein product.

Literature cited by the submitters: PubMed 16199547; PubMed 24997988.

NM_001286577.2(C2CD3):c.5496-2A>G

Gene: C2CD3 (C2 domain containing 3 centriole elongation regulator; minus strand). Cytogenetic location: 11q13.4.
Variant type: single nucleotide variant.
Coding change: c.5496-2A>G on transcript NM_001286577.2 (MANE Select); the canonical splice acceptor site of the intron before coding-DNA position 5496, A replaced by G.
Molecular consequence: splice acceptor variant.
Genome position (GRCh38, 1-based): chr11:74,042,220, T>C on the plus strand (A>G on the coding strand, the complement: C2CD3 is on the minus strand). VCF-style: chr11-74042220-T-C. GRCh37 (hg19) VCF-style: chr11-73753265-T-C.
Other names: c.5496-2A>G (NM_015531.6).
Identifiers: ClinVar variation 863630 (VCV000863630.8), dbSNP rs1953100514, ClinGen allele CA381825235.
Genomic context (GRCh38, chr11:74,042,220, plus strand): 5'-GGCGAATGTTCTGCACATGCTCTTCATGGCGTGATGCTTGGCTTCTTGTGGTATCACTTC[T>C]GTCAAAAAAAAAAAAAAAAAAAGTAGGAGCAAAATAAATTCCCAATCAATGAGAACACTG-3'